The following is an entry in ClinVar:

NM_016816.4(OAS1):c.959C>T (p.Ala320Val)

Gene: OAS1 (2'-5'-oligoadenylate synthetase 1; plus strand). Cytogenetic location: 12q24.13.
Variant type: single nucleotide variant.
Coding change: c.959C>T on transcript NM_016816.4 (MANE Select); coding-DNA position 959, C replaced by T.
Protein change: p.Ala320Val; replaces alanine 320 with valine.
Molecular consequence: missense variant.
Genome position (GRCh38, 1-based): chr12:112,917,621, C>T. VCF-style: chr12-112917621-C-T. GRCh37 (hg19) VCF-style: chr12-113355426-C-T.
Other names: c.935C>T, p.Ala312Val (NM_001406020.1, NM_001406021.1, NM_001406023.1 and 2 more transcripts); c.959C>T, p.Ala320Val (NM_001406022.1, NM_001032409.3, NM_001320151.2 and 2 more transcripts); c.485C>T, p.Ala162Val (NM_001406026.1, NM_001406027.1, NM_001406029.1 and 1 more transcripts); c.959C>T (NM_016816.2); short protein forms A312V, A320V, A162V.
Identifiers: ClinVar variation 1954063 (VCV001954063.6), dbSNP rs370539671, ClinGen allele CA6799951.

ClinVar aggregate classification (germline): Uncertain significance. Review status: criteria provided, multiple submitters, no conflicts (2 of 4 stars). 2 submissions from 2 submitters: Uncertain significance (2). Last evaluated 2025-09-05.

Allele frequency attached by ClinVar (database versions not stated): gnomAD exomes below 0.00001; ExAC 0.00003; gnomAD 0.00003; TOPMed 0.00007; ESP Exome Variant Server 0.00008.
gnomAD v4.1: 11 of 1,614,086 alleles (0.00068%); highest among the groups gnomAD compares: African/African-American, 0.008%; no homozygotes.

Submissions (2):

Ambry Genetics
Classification: Uncertain significance. Last evaluated: 2025-09-05. Review status: criteria provided, single submitter. Criteria: Ambry Variant Classification Scheme 2023. Collection method: clinical testing. Allele origin: germline.

Labcorp Genetics (formerly Invitae), Labcorp
Classification: Uncertain significance. Last evaluated: 2024-04-06. Review status: criteria provided, single submitter. Criteria: Invitae Variant Classification Sherloc (09022015). Collection method: clinical testing. Allele origin: germline.
Comment: This sequence change replaces alanine, which is neutral and non-polar, with valine, which is neutral and non-polar, at codon 320 of the OAS1 protein (p.Ala320Val). This variant is present in population databases (rs370539671, gnomAD 0.02%). This variant has not been reported in the literature in individuals affected with OAS1-related conditions. ClinVar contains an entry for this variant (Variation ID: 1954063). An algorithm developed to predict the effect of missense changes on protein structure and function (PolyPhen-2) suggests that this variant is likely to be disruptive. In summary, the available evidence is currently insufficient to determine the role of this variant in disease. Therefore, it has been classified as a Variant of Uncertain Significance.